The following is an entry in ClinVar:

ClinVar aggregate classification (germline): Uncertain significance (1 of 4 stars; one submission).

Conditions:
Hereditary cancer-predisposing syndrome. Also called: Neoplastic Syndromes, Hereditary; Tumor predisposition; Hereditary neoplastic syndrome; Hereditary Cancer Syndrome. Identifiers: Orphanet 140162, MedGen C0027672, MeSH D009386, MONDO:0015356.
Cardiovascular phenotype. Identifiers: MedGen CN230736.

Submission:

Ambry Genetics
Classification: Uncertain significance for Cardiovascular phenotype; Hereditary cancer-predisposing syndrome. Last evaluated: 2024-02-08. Review status: criteria provided, single submitter. Criteria: Ambry Variant Classification Scheme 2023. Collection method: clinical testing. Allele origin: germline.
Comment: The p.T2092S variant (also known as c.6274A>T), located in coding exon 41 of the NF1 gene, results from an A to T substitution at nucleotide position 6274. The threonine at codon 2092 is replaced by serine, an amino acid with similar properties. This amino acid position is conserved. In addition, the in silico prediction for this alteration is inconclusive. Based on the available evidence, the clinical significance of this alteration remains unclear.

NM_001042492.3(NF1):c.6337A>T (p.Thr2113Ser)

Gene: NF1 (neurofibromin 1; plus strand). Cytogenetic location: 17q11.2.
Variant type: single nucleotide variant.
Coding change: c.6337A>T on transcript NM_001042492.3 (MANE Select); coding-DNA position 6337, A replaced by T.
Protein change: p.Thr2113Ser; replaces threonine 2113 with serine.
Molecular consequence: missense variant.
Genome position (GRCh38, 1-based): chr17:31,336,824, A>T. VCF-style: chr17-31336824-A-T. GRCh37 (hg19) VCF-style: chr17-29663842-A-T.
Other names: c.6274A>T, p.Thr2092Ser (NM_000267.4); short protein forms T2092S, T2113S.
Identifiers: ClinVar variation 3237871 (VCV003237871.1), dbSNP rs2151554874.
Genomic context (GRCh38, chr17:31,336,824, plus strand): 5'-TCCCTTGATGTGGCAGCTCATCTTCCCTACCTCTTCCACGTTGTTACTTTCTTAGTAGCC[A>T]CAGGTCCGCTCTCCCTTAGAGCTTCCACACATGGACTGGTCATTAATATCATTCACTCTC-3'
Protein context (NP_001035957.1, residues 2103-2123): LFHVVTFLVA[Thr2113Ser]GPLSLRASTH